The following is an entry in ClinVar:

NM_001079.4(ZAP70):c.790+12_790+15dup

Gene: ZAP70 (zeta chain of T cell receptor associated protein kinase 70; plus strand). Cytogenetic location: 2q11.2.
Variant type: Duplication.
Coding change: c.790+12_790+15dup on transcript NM_001079.4 (MANE Select); bases 12 to 15 of the intron after coding-DNA position 790, 4 bases duplicated (AGGC; older notation c.790+12_790+15dupAGGC).
Molecular consequence: intron variant.
Genome position (GRCh38, 1-based): chr2:97,733,224-97,733,227, AGGC duplicated; duplicating any 4 consecutive bases within chr2:97,733,222-97,733,227 gives the same sequence; the c. name uses the placement nearest the transcript's 3' end. VCF-style (leftmost placement, unchanged base first): chr2-97733221-A-AGCAG. GRCh37 (hg19) VCF-style: chr2-98349684-A-AGCAG.
Other names: c.790+12_790+15dup (NM_001378594.1); c.790+12_790+15dupAGGC (NM_001079.4).
Identifiers: ClinVar variation 928655 (VCV000928655.12), dbSNP rs761349565, ClinGen allele CA1790211.

ClinVar aggregate classification (germline): Likely benign. Review status: criteria provided, multiple submitters, no conflicts (2 of 4 stars). 2 submissions from 2 submitters: Likely benign (2). Last evaluated 2025-10-20.

Conditions:
Combined immunodeficiency due to ZAP70 deficiency (IMD48). Also called: Immunodeficiency 48; ZAP70 Deficiency. Identifiers: Orphanet 911, MedGen C2931299, MONDO:0010023, OMIM 269840.

Submissions (2):

Labcorp Genetics (formerly Invitae), Labcorp
Classification: Likely benign for Combined immunodeficiency due to ZAP70 deficiency. Last evaluated: 2025-10-20. Review status: criteria provided, single submitter. Criteria: Invitae Variant Classification Sherloc (09022015). Collection method: clinical testing. Allele origin: germline.

Women's Health and Genetics/Laboratory Corporation of America, LabCorp
Classification: Likely benign. Last evaluated: 2025-01-06. Review status: criteria provided, single submitter. Criteria: LabCorp Variant Classification Summary - May 2015. Collection method: clinical testing. Allele origin: germline.
Comment: Variant summary: ZAP70 c.790+12_790+15dupAGGC alters a nucleotide located at a position not widely known to affect splicing. Consensus agreement among computation tools predict no significant impact on normal splicing. However, these predictions have yet to be confirmed by functional studies. The variant allele was found at a frequency of 0.00013 in 246066 control chromosomes, predominantly at a frequency of 0.00025 within the Non-Finnish European subpopulation in the gnomAD database. This frequency is not significantly higher than estimated for a pathogenic variant in ZAP70 causing Severe Combined Immunodeficiency (0.00013 vs 0.00035), allowing no conclusion about variant significance. To our knowledge, no occurrence of c.790+12_790+15dupAGGC in individuals affected with Severe Combined Immunodeficiency and no experimental evidence demonstrating its impact on protein function have been reported. ClinVar contains an entry for this variant (Variation ID: 928655). Based on the evidence outlined above, the variant was classified as likely benign.